The following is an entry in ClinVar:

ClinVar aggregate classification (germline): Pathogenic (1 of 4 stars; one submission).

Conditions:
Brittle cornea syndrome 1 (BCS1). Also called: CORNEAL FRAGILITY, KERATOGLOBUS, BLUE SCLERAE, JOINT HYPEREXTENSIBILITY; EDS6B; FRAGILITAS OCULI WITH JOINT HYPEREXTENSIBILITY; Corneal fragility keratoglobus, blue sclerae AND joint hypermobility; DYSGENESIS MESODERMALIS CORNEAE ET SCLERAE. Identifiers: Orphanet 90354, MedGen C0268344, MONDO:0024543, OMIM 229200.

Submission:

Women's Health and Genetics/Laboratory Corporation of America, LabCorp
Classification: Pathogenic for Brittle cornea syndrome 1. Last evaluated: 2024-11-27. Review status: criteria provided, single submitter. Criteria: LabCorp Variant Classification Summary - May 2015. Collection method: clinical testing. Allele origin: germline.
Comment: Variant summary: ZNF469 c.628_629delinsA (p.Pro210ThrfsX136) results in a premature termination codon, predicted to cause a truncation of the encoded protein. Truncations downstream of this position have been reported in several individuals affected with Brittle cornea syndrome in the literature and have been classified as pathogenic by our laboratory and in ClinVar. The variant was absent in 145960 control chromosomes (gnomAD). The available data on variant occurrences in the general population are insufficient to allow any conclusion about variant significance. To our knowledge, no occurrence of c.628_629delinsA in individuals affected with Brittle cornea syndrome 1 and no experimental evidence demonstrating its impact on protein function have been reported. No submitters have cited clinical-significance assessments for this variant to ClinVar. Based on the evidence outlined above, the variant was classified as pathogenic.

NM_001367624.2(ZNF469):c.628_629delinsA (p.Pro210fs)

Gene: ZNF469 (zinc finger protein 469; plus strand). Cytogenetic location: 16q24.2.
Variant type: Indel.
Coding change: c.628_629delinsA on transcript NM_001367624.2 (MANE Select); coding-DNA positions 628 to 629, CC replaced by A.
Protein change: p.Pro210fs; shifts the reading frame from proline 210.
Molecular consequence: frameshift variant.
Genome position (GRCh38, 1-based): chr16:88,428,098-88,428,099, CC replaced by A. VCF-style: chr16-88428098-CC-A. GRCh37 (hg19) VCF-style: chr16-88494506-CC-A.
Other names: short protein forms P210fs.
Identifiers: ClinVar variation 3629492 (VCV003629492.2).